The following is an entry in ClinVar:

NM_001374353.1(GLI2):c.2062G>A (p.Asp688Asn)

Gene: GLI2 (GLI family zinc finger 2; plus strand). Cytogenetic location: 2q14.2.
Variant type: single nucleotide variant.
Coding change: c.2062G>A on transcript NM_001374353.1 (MANE Select); coding-DNA position 2062, G replaced by A.
Protein change: p.Asp688Asn; replaces aspartic acid 688 with asparagine.
Molecular consequence: missense variant.
Genome position (GRCh38, 1-based): chr2:120,986,434, G>A. VCF-style: chr2-120986434-G-A. GRCh37 (hg19) VCF-style: chr2-121744010-G-A.
Other names: c.2113G>A, p.Asp705Asn (NM_001371271.1, NM_005270.5); c.1687G>A, p.Asp563Asn (NM_001374354.1); short protein forms D705N, D688N, D563N.
Identifiers: ClinVar variation 330976 (VCV000330976.6), dbSNP rs751513015, ClinGen allele CA1852128.

ClinVar aggregate classification (germline): Conflicting classifications of pathogenicity. Review status: criteria provided, conflicting classifications (1 of 4 stars). 2 submissions from 2 submitters: Uncertain significance (1); Likely benign (1). Last evaluated 2023-08-17.

Conditions:
Postaxial polydactyly-anterior pituitary anomalies-facial dysmorphism syndrome. Also called: Culler-Jones syndrome. Identifiers: Orphanet 420584, MedGen C4014479, MONDO:0014369, OMIM 615849.
Holoprosencephaly 9 (HPE9). Also called: PITUITARY ANOMALIES WITH HOLOPROSENCEPHALY-LIKE FEATURES; HOLOPROSENCEPHALY WITH MICROPHTHALMIA AND FIRST BRANCHIAL ARCH ANOMALIES. Identifiers: Orphanet 2162, MedGen C1835819, MONDO:0012563, OMIM 610829.

Allele frequency attached by ClinVar (database versions not stated): ExAC 0.00001; TOPMed 0.00001 and 0.00002; gnomAD 0.00001; gnomAD exomes 0.00001.
gnomAD v4.1: 21 of 1,613,760 alleles (0.0013%); highest among the groups gnomAD compares: Middle Eastern, 0.016%; no homozygotes.

Submissions (2):

Dr. med. U. Finckh, Human Genetics, Eurofins MVZ
Classification: Likely benign for Postaxial polydactyly-anterior pituitary anomalies-facial dysmorphism syndrome. Last evaluated: 2023-08-17. Review status: criteria provided, single submitter. Criteria: ACMG Guidelines, 2015. Collection method: clinical testing. Allele origin: paternal. Affected: no. Observed: 2 heterozygotes.
Comment: The variant is present in gnomAD (3 heterozygotes in > 125.000 individuals; v2.1.1). In silico tools predict the variant not to impair protein function. Taken together, we classify the variant as likely benign. Reports on incomplete penetrance and variable expressivity may however be taken into account.

Illumina Laboratory Services, Illumina
Classification: Uncertain significance for Holoprosencephaly 9. Last evaluated: 2018-01-13. Review status: criteria provided, single submitter. Criteria: ICSL Variant Classification Criteria 13 December 2019. Collection method: clinical testing. Allele origin: germline.